The following is an entry in ClinVar:

ClinVar aggregate classification (germline): Uncertain significance (1 of 4 stars; one submission).

Conditions:
GLUT1 deficiency syndrome 1, autosomal recessive. Identifiers: MedGen C3149117.

Allele frequency attached by ClinVar (database versions not stated): gnomAD exomes below 0.00001; ExAC 0.00001; TOPMed 0.00001.
gnomAD v4.1: 5 of 1,613,740 alleles (0.00031%); highest among the groups gnomAD compares: African/African-American, 0.0013%; no homozygotes.

Submission:

Labcorp Genetics (formerly Invitae), Labcorp
Classification: Uncertain significance for GLUT1 deficiency syndrome 1, autosomal recessive. Last evaluated: 2022-08-31. Review status: criteria provided, single submitter. Criteria: Invitae Variant Classification Sherloc (09022015). Collection method: clinical testing. Allele origin: germline.
Comment: This variant is present in population databases (rs752703331, gnomAD 0.0009%). This sequence change replaces histidine, which is basic and polar, with tyrosine, which is neutral and polar, at codon 337 of the SLC2A1 protein (p.His337Tyr). This variant has not been reported in the literature in individuals affected with SLC2A1-related conditions. Algorithms developed to predict the effect of missense changes on protein structure and function are either unavailable or do not agree on the potential impact of this missense change (SIFT: "Tolerated"; PolyPhen-2: "Probably Damaging"; Align-GVGD: "Class C0"). In summary, the available evidence is currently insufficient to determine the role of this variant in disease. Therefore, it has been classified as a Variant of Uncertain Significance.

NM_006516.4(SLC2A1):c.1009C>T (p.His337Tyr)

Gene: SLC2A1 (solute carrier family 2 member 1; minus strand). Cytogenetic location: 1p34.2.
Variant type: single nucleotide variant.
Coding change: c.1009C>T on transcript NM_006516.4 (MANE Select); coding-DNA position 1009, C replaced by T.
Protein change: p.His337Tyr; replaces histidine 337 with tyrosine.
Molecular consequence: missense variant.
Genome position (GRCh38, 1-based): chr1:42,928,997, G>A on the plus strand (C>T on the coding strand, the complement: SLC2A1 is on the minus strand). VCF-style: chr1-42928997-G-A. GRCh37 (hg19) VCF-style: chr1-43394668-G-A.
Other names: short protein forms H337Y.
Identifiers: ClinVar variation 2197831 (VCV002197831.4), dbSNP rs752703331, ClinGen allele CA803368.